The following is an entry in ClinVar:

NM_001303052.2(MYT1L):c.157T>C (p.Tyr53His)

Gene: MYT1L (myelin transcription factor 1 like; minus strand). Cytogenetic location: 2p25.3.
Variant type: single nucleotide variant.
Coding change: c.157T>C on transcript NM_001303052.2 (MANE Select); coding-DNA position 157, T replaced by C.
Protein change: p.Tyr53His; replaces tyrosine 53 with histidine.
Molecular consequence: missense variant.
Genome position (GRCh38, 1-based): chr2:1,943,330, A>G on the plus strand (T>C on the coding strand, the complement: MYT1L is on the minus strand). VCF-style: chr2-1943330-A-G. GRCh37 (hg19) VCF-style: chr2-1947102-A-G.
Other names: c.157T>C, p.Tyr53His (NM_001329844.2, NM_001329845.1, NM_001329846.3 and 6 more transcripts); short protein forms Y53H.
Identifiers: ClinVar variation 1703921 (VCV001703921.2), dbSNP rs1305993728, ClinGen allele CA345714273.

ClinVar aggregate classification (germline): Uncertain significance (1 of 4 stars; one submission).

Submission:

GeneDx
Classification: Uncertain significance. Last evaluated: 2022-03-03. Review status: criteria provided, single submitter. Criteria: GeneDx Variant Classification Process June 2021. Collection method: clinical testing. Allele origin: germline. Affected: yes.
Comment: Not observed at significant frequency in large population cohorts (gnomAD); In silico analysis supports that this missense variant does not alter protein structure/function; Has not been previously published as pathogenic or benign to our knowledge